The following is an entry in ClinVar:

NM_020461.4(TUBGCP6):c.2176G>A (p.Glu726Lys)

Gene: TUBGCP6 (tubulin gamma complex component 6; minus strand). Cytogenetic location: 22q13.33.
Variant type: single nucleotide variant.
Coding change: c.2176G>A on transcript NM_020461.4 (MANE Select); coding-DNA position 2176, G replaced by A.
Protein change: p.Glu726Lys; replaces glutamic acid 726 with lysine.
Molecular consequence: missense variant.
Genome position (GRCh38, 1-based): chr22:50,224,235, C>T on the plus strand (G>A on the coding strand, the complement: TUBGCP6 is on the minus strand). VCF-style: chr22-50224235-C-T. GRCh37 (hg19) VCF-style: chr22-50662664-C-T.
Other names: short protein forms E726K.
Identifiers: ClinVar variation 1896045 (VCV001896045.4), dbSNP rs1160371469, ClinGen allele CA412102603.

ClinVar aggregate classification (germline): Uncertain significance (1 of 4 stars; one submission).

Allele frequency attached by ClinVar (database versions not stated): gnomAD exomes below 0.00001; gnomAD 0.00001.
gnomAD v4.1: 3 of 1,614,048 alleles (0.00019%); highest among the groups gnomAD compares: Non-Finnish European, 0.00025%; no homozygotes.

Submission:

Labcorp Genetics (formerly Invitae), Labcorp
Classification: Uncertain significance. Last evaluated: 2024-02-24. Review status: criteria provided, single submitter. Criteria: Invitae Variant Classification Sherloc (09022015). Collection method: clinical testing. Allele origin: germline.
Comment: This sequence change replaces glutamic acid, which is acidic and polar, with lysine, which is basic and polar, at codon 726 of the TUBGCP6 protein (p.Glu726Lys). This variant is present in population databases (no rsID available, gnomAD 0.007%). This variant has not been reported in the literature in individuals affected with TUBGCP6-related conditions. ClinVar contains an entry for this variant (Variation ID: 1896045). An algorithm developed to predict the effect of missense changes on protein structure and function (PolyPhen-2) suggests that this variant is likely to be disruptive. In summary, the available evidence is currently insufficient to determine the role of this variant in disease. Therefore, it has been classified as a Variant of Uncertain Significance.